The following is an entry in ClinVar:

NM_000094.4(COL7A1):c.7018G>T (p.Glu2340Ter)

Gene: COL7A1 (collagen type VII alpha 1 chain; minus strand). Cytogenetic location: 3p21.31.
Variant type: single nucleotide variant.
Coding change: c.7018G>T on transcript NM_000094.4 (MANE Select); coding-DNA position 7018, G replaced by T.
Protein change: p.Glu2340Ter; replaces glutamic acid 2340 with a stop codon.
Molecular consequence: nonsense.
Genome position (GRCh38, 1-based): chr3:48,572,132, C>A on the plus strand (G>T on the coding strand, the complement: COL7A1 is on the minus strand). VCF-style: chr3-48572132-C-A. GRCh37 (hg19) VCF-style: chr3-48609565-C-A.
Other names: short protein forms E2340*.
Identifiers: ClinVar variation 5013362 (VCV005013362.1).

ClinVar aggregate classification (germline): Pathogenic (1 of 4 stars; one submission).

Conditions:
Recessive dystrophic epidermolysis bullosa (RDEB). Also called: DYSTROPHIC EPIDERMOLYSIS BULLOSA, AUTOSOMAL RECESSIVE; EPIDERMOLYSIS BULLOSA DYSTROPHICA, HALLOPEAU-SIEMENS TYPE; Hallopeau-Siemens Disease; severe generalized recessive dystrophic epidermolysis bullosa; EPIDERMOLYSIS BULLOSA DYSTROPHICA, GENERALIZED SEVERE, AUTOSOMAL RECESSIVE; Epidermolysis Bullosa Distrophica Autosomal Recessive (RDEB). Identifiers: Orphanet 79408, Orphanet 79409, MedGen C0079474, MONDO:0009179, OMIM 226600.

gnomAD v4.1: 1 of 1,614,044 alleles (0.000062%); no homozygotes.

Submission:

Myriad Genetics, Inc.
Classification: Pathogenic for Recessive dystrophic epidermolysis bullosa. Last evaluated: 2024-07-25. Review status: criteria provided, single submitter. Criteria: Myriad Autosomal Dominant, Autosomal Recessive and X-Linked Classification Criteria (2023). Collection method: clinical testing. Allele origin: unknown.
Comment: NM_000094.3(COL7A1):c.7018G>T(E2340*) is expected to be pathogenic in the context of dystrophic epidermolysis bullosa. This variant is predicted to lead to an abnormal or absent protein product due to the creation of a premature termination codon in COL7A1, a gene where loss-of-function variants are known to be pathogenic. Please note: this variant was assessed in the context of healthy population screening.